The following is an entry in ClinVar:

NM_001365536.1(SCN9A):c.5144G>A (p.Cys1715Tyr)

Genes: SCN1A-AS1 (SCN1A and SCN9A antisense RNA 1; plus strand), SCN9A (sodium voltage-gated channel alpha subunit 9; minus strand). Cytogenetic location: 2q24.3.
Variant type: single nucleotide variant.
Coding change: c.5144G>A on transcript NM_001365536.1 (MANE Select); coding-DNA position 5144, G replaced by A.
Protein change: p.Cys1715Tyr; replaces cysteine 1715 with tyrosine.
Molecular consequence: missense variant.
Genome position (GRCh38, 1-based): chr2:166,199,495, C>T on the plus strand (G>A on the coding strand, the complement: SCN9A is on the minus strand). VCF-style: chr2-166199495-C-T. GRCh37 (hg19) VCF-style: chr2-167056005-C-T.
Other names: c.5111G>A, p.Cys1704Tyr (NM_002977.4); short protein forms C1704Y, C1715Y.
Identifiers: ClinVar variation 571098 (VCV000571098.9), dbSNP rs1314852955, ClinGen allele CA349054524.

ClinVar aggregate classification (germline): Uncertain significance (1 of 4 stars; one submission).

Conditions:
Neuropathy, hereditary sensory and autonomic, type 2A (HSAN2A). Also called: HSAN IIA; ACROOSTEOLYSIS, GIACCAI TYPE; ACROOSTEOLYSIS, NEUROGENIC; MORVAN DISEASE; NEUROPATHY, CONGENITAL SENSORY; NEUROPATHY, HEREDITARY SENSORY RADICULAR, AUTOSOMAL RECESSIVE. Identifiers: Orphanet 970, MedGen C2752089, MONDO:0024309, OMIM 201300.
Generalized epilepsy with febrile seizures plus, type 7 (GEFSP7). Also called: GEFS+, TYPE 7. Identifiers: Orphanet 36387, MedGen C2751778, MONDO:0013470, OMIM 613863.

Allele frequency attached by ClinVar (database versions not stated): gnomAD exomes below 0.00001.
gnomAD v4.1: 2 of 1,614,146 alleles (0.00012%); highest among the groups gnomAD compares: Middle Eastern, 0.016%; no homozygotes.

Submission:

Labcorp Genetics (formerly Invitae), Labcorp
Classification: Uncertain significance for Neuropathy, hereditary sensory and autonomic, type 2A; Generalized epilepsy with febrile seizures plus, type 7. Last evaluated: 2025-09-23. Review status: criteria provided, single submitter. Criteria: Invitae Variant Classification Sherloc (09022015). Collection method: clinical testing. Allele origin: germline.
Comment: This sequence change replaces cysteine, which is neutral and slightly polar, with tyrosine, which is neutral and polar, at codon 1704 of the SCN9A protein (p.Cys1704Tyr). This variant is present in population databases (no rsID available, gnomAD no frequency). This variant has not been reported in the literature in individuals affected with SCN9A-related conditions. ClinVar contains an entry for this variant (Variation ID: 571098). Invitae Evidence Modeling of protein sequence and biophysical properties (such as structural, functional, and spatial information, amino acid conservation, physicochemical variation, residue mobility, and thermodynamic stability) has been performed for this missense variant. However, the output from this modeling did not meet the statistical confidence thresholds required to predict the impact of this variant on SCN9A protein function. In summary, the available evidence is currently insufficient to determine the role of this variant in disease. Therefore, it has been classified as a Variant of Uncertain Significance.